The following is an entry in ClinVar:

NM_000466.3(PEX1):c.3439-14_3439-13del

Genes: PEX1 (peroxisomal biogenesis factor 1; minus strand), GATAD1 (GATA zinc finger domain containing 1; plus strand). Cytogenetic location: 7q21.2.
Variant type: Deletion.
Coding change: c.3439-14_3439-13del on transcript NM_000466.3 (MANE Select); 14 bases into the intron before coding-DNA position 3439 through 13 bases into the intron before coding-DNA position 3439, 2 bases deleted (AA; older notation c.3439-14_3439-13delAA).
Molecular consequence: intron variant.
Genome position (GRCh38, 1-based): chr7:92,489,924-92,489,925, TT deleted on the plus strand (AA on the coding strand, the reverse complement: PEX1 is on the minus strand). VCF-style (leftmost placement, unchanged base first): chr7-92489923-ATT-A. GRCh37 (hg19) VCF-style: chr7-92119237-ATT-A.
Other names: p.?; c.3268-14_3268-13del (NM_001282677.2); c.2815-14_2815-13del (NM_001282678.2).
Identifiers: ClinVar variation 256220 (VCV000256220.23), dbSNP rs150005994, ClinGen allele CA4340816.

ClinVar aggregate classification (germline): Benign/Likely benign. Review status: criteria provided, multiple submitters, no conflicts (2 of 4 stars). 7 submissions from 7 submitters: Benign (3); Likely benign (1). 3 of the submissions do not count toward it. Last evaluated 2026-02-02.

Conditions:
Zellweger spectrum disorders (ZS). Also called: Zellweger syndrome; Zellweger Spectrum Disorder (ZSD); Zellweger Spectrum Disorder; Zellweger Spectrum. Identifiers: Orphanet 912, MedGen C0043459, MONDO:0019609.

Allele frequency attached by ClinVar (database versions not stated): 1000 Genomes Project 30x 0.01780; gnomAD 0.02503 and 0.02536; TOPMed 0.02583; gnomAD exomes 0.02697 and 0.03467; ExAC 0.02788; ESP Exome Variant Server 0.02940.

Submissions (7):

Labcorp Genetics (formerly Invitae), Labcorp
Classification: Benign for Zellweger spectrum disorders. Last evaluated: 2026-02-02. Review status: criteria provided, single submitter. Criteria: Invitae Variant Classification Sherloc (09022015). Collection method: clinical testing. Allele origin: germline.

GeneDx
Classification: Likely benign. Last evaluated: 2023-10-18. Review status: criteria provided, single submitter. Criteria: GeneDx Variant Classification Process June 2021. Collection method: clinical testing. Allele origin: germline. Affected: yes.
Comment: See Variant Classification Assertion Criteria.

Mayo Clinic Laboratories, Mayo Clinic
Classification: Benign. Last evaluated: 2015-12-16. Review status: criteria provided, single submitter. Criteria: ACMG Guidelines, 2015. Collection method: clinical testing. Allele origin: germline. Observed: 28 variant alleles.

PreventionGenetics, part of Exact Sciences
Classification: Benign. Review status: criteria provided, single submitter. Criteria: ACMG Guidelines, 2015. Collection method: clinical testing. Allele origin: germline.

Natera, Inc.
Classification: Benign for Zellweger syndrome. Last evaluated: 2018-04-11. Review status: no assertion criteria provided. Collection method: clinical testing. Allele origin: germline. Not counted in ClinVar's aggregate classification.

Clinical Genetics, Academic Medical Center
Classification: Benign. Review status: no assertion criteria provided. Collection method: clinical testing. Allele origin: germline. Affected: yes. Study: VKGL Data-share Consensus. Not counted in ClinVar's aggregate classification.

Genome Diagnostics Laboratory, University Medical Center Utrecht
Classification: Benign. Review status: no assertion criteria provided. Collection method: clinical testing. Allele origin: germline. Affected: yes. Study: VKGL Data-share Consensus. Not counted in ClinVar's aggregate classification.